The following is an entry in ClinVar:

ClinVar aggregate classification (germline): Pathogenic (1 of 4 stars; one submission).

Conditions:
Duchenne muscular dystrophy (DMD). Also called: MUSCULAR DYSTROPHY, PSEUDOHYPERTROPHIC PROGRESSIVE, DUCHENNE TYPE; Duchenne Muscular Dystrophy (DMD). Identifiers: Orphanet 98896, MedGen C0013264, MONDO:0010679, OMIM 310200.

Submission:

Labcorp Genetics (formerly Invitae), Labcorp
Classification: Pathogenic for Duchenne muscular dystrophy. Last evaluated: 2017-02-16. Review status: criteria provided, single submitter. Criteria: Invitae Variant Classification Sherloc (09022015). Collection method: clinical testing. Allele origin: germline.
Comment: This sequence change deletes 1 nucleotide from exon 1 of the DMD mRNA (c.19delG), causing a frameshift at codon 7. This creates a premature translational stop signal (p.Val7*) and is expected to result in an absent or disrupted protein product. While this particular variant has not been reported in the literature, loss-of-function variants in DMD are known to be pathogenic (PMID: 16770791). For these reasons, this variant has been classified as Pathogenic.

NM_004006.3(DMD):c.19del (p.Glu6_Val7insTer)

Gene: DMD (dystrophin; minus strand). Cytogenetic location: Xp21.1.
Variant type: Deletion.
Coding change: c.19del on transcript NM_004006.3 (MANE Select); coding-DNA position 19, one base deleted (G; older notation c.19delG).
Protein change: p.Glu6_Val7insTer.
Molecular consequence: nonsense. On other transcripts: intron variant (1).
Genome position (GRCh38, 1-based): chrX:33,211,294, C deleted on the plus strand (G on the coding strand, the reverse complement: DMD is on the minus strand). VCF-style (leftmost placement, unchanged base first): chrX-33211293-AC-A. GRCh37 (hg19) VCF-style: chrX-33229410-AC-A.
Other names: c.7+127965del (NM_000109.4); c.19delG (NM_004006.2).
Identifiers: ClinVar variation 455874 (VCV000455874.1), dbSNP rs1557300135, ClinGen allele CA658658959.